The following is an entry in ClinVar:

NM_017514.5(PLXNA3):c.3910G>A (p.Val1304Met)

Gene: PLXNA3 (plexin A3; plus strand). Cytogenetic location: Xq28.
Variant type: single nucleotide variant.
Coding change: c.3910G>A on transcript NM_017514.5 (MANE Select); coding-DNA position 3910, G replaced by A.
Protein change: p.Val1304Met; replaces valine 1304 with methionine.
Molecular consequence: missense variant.
Genome position (GRCh38, 1-based): chrX:154,468,171, G>A. VCF-style: chrX-154468171-G-A. GRCh37 (hg19) VCF-style: chrX-153696514-G-A.
Other names: c.3910G>A (NM_017514.3); short protein forms V1304M.
Identifiers: ClinVar variation 3053555 (VCV003053555.4), dbSNP rs143622764, ClinGen allele CA10564750.

ClinVar aggregate classification (germline): Conflicting classifications of pathogenicity. Review status: criteria provided, conflicting classifications (1 of 4 stars). 2 submissions from 2 submitters: Uncertain significance (1); Likely benign (1). Last evaluated 2025-05-06.

Conditions:
PLXNA3-related disorder. Also called: PLXNA3-related condition.

Allele frequency attached by ClinVar (database versions not stated): TOPMed 0.00010; gnomAD 0.00017; 1000 Genomes Project 30x 0.00021; ExAC 0.00021; gnomAD exomes 0.00024; 1000 Genomes Project 0.00026; ESP Exome Variant Server 0.00028.
gnomAD v4.1: 271 of 1,186,068 alleles (0.023%); highest among the groups gnomAD compares: Non-Finnish European, 0.029%; no homozygotes.

Submissions (2):

PreventionGenetics, part of Exact Sciences
Classification: Likely benign for PLXNA3-related condition. Last evaluated: 2025-05-06. Review status: criteria provided, single submitter. Criteria: ACMG Guidelines, 2015. Collection method: clinical testing. Allele origin: germline.
Comment: This variant is classified as likely benign based on ACMG/AMP sequence variant interpretation guidelines (Richards et al. 2015 PMID: 25741868, with internal and published modifications).

Ambry Genetics
Classification: Uncertain significance. Last evaluated: 2025-04-20. Review status: criteria provided, single submitter. Criteria: Ambry Variant Classification Scheme 2023. Collection method: clinical testing. Allele origin: germline.